The following is an entry in ClinVar:

NM_001953.5(TYMP):c.794G>C (p.Arg265Pro)

Gene: TYMP (thymidine phosphorylase; minus strand). Cytogenetic location: 22q13.33.
Variant type: single nucleotide variant.
Coding change: c.794G>C on transcript NM_001953.5 (MANE Select); coding-DNA position 794, G replaced by C.
Protein change: p.Arg265Pro; replaces arginine 265 with proline.
Molecular consequence: missense variant.
Genome position (GRCh38, 1-based): chr22:50,526,710, C>G on the plus strand (G>C on the coding strand, the complement: TYMP is on the minus strand). VCF-style: chr22-50526710-C-G. GRCh37 (hg19) VCF-style: chr22-50965139-C-G.
Other names: c.794G>C, p.Arg265Pro (NM_001113755.3, NM_001113756.3, NM_001257988.1 and 1 more transcripts); short protein forms R265P.
Identifiers: ClinVar variation 2155471 (VCV002155471.1), dbSNP rs2069401085, ClinGen allele CA412199465.
Genomic context (GRCh38, chr22:50,526,710, plus strand): 5'-AGGGCGTGGCCCACGCAGCGACCCAGGGGCTTGTCCATGGCGGTCAGCGCTGCCGCGACC[C>G]GAAGCCCTAGGCTGGCTCCCACGCCAACCTGCGGAGAGGAGGCTCAGCGTGGACCCCCCA-3'
Protein context (NP_001944.1, residues 255-275): LVGVGASLGL[Arg265Pro]VAAALTAMDK

ClinVar aggregate classification (germline): Uncertain significance (1 of 4 stars; one submission).

Allele frequency attached by ClinVar (database versions not stated): gnomAD exomes below 0.00001; TOPMed below 0.00001.
gnomAD v4.1: 1 of 1,539,782 alleles (0.000065%); highest among the groups gnomAD compares: Non-Finnish European, 0.000087%; no homozygotes.

Submission:

Labcorp Genetics (formerly Invitae), Labcorp
Classification: Uncertain significance. Last evaluated: 2022-05-12. Review status: criteria provided, single submitter. Criteria: Invitae Variant Classification Sherloc (09022015). Collection method: clinical testing. Allele origin: germline.
Comment: This sequence change replaces arginine, which is basic and polar, with proline, which is neutral and non-polar, at codon 265 of the TYMP protein (p.Arg265Pro). This variant is not present in population databases (gnomAD no frequency). This variant has not been reported in the literature in individuals affected with TYMP-related conditions. Advanced modeling of protein sequence and biophysical properties (such as structural, functional, and spatial information, amino acid conservation, physicochemical variation, residue mobility, and thermodynamic stability) performed at Invitae indicates that this missense variant is not expected to disrupt TYMP protein function. In summary, the available evidence is currently insufficient to determine the role of this variant in disease. Therefore, it has been classified as a Variant of Uncertain Significance.